The following is an entry in ClinVar:

NM_002894.3(RBBP8):c.1812G>T (p.Lys604Asn)

Gene: RBBP8 (RB binding protein 8, endonuclease; plus strand). Cytogenetic location: 18q11.2.
Variant type: single nucleotide variant.
Coding change: c.1812G>T on transcript NM_002894.3 (MANE Select); coding-DNA position 1812, G replaced by T.
Protein change: p.Lys604Asn; replaces lysine 604 with asparagine.
Molecular consequence: missense variant.
Genome position (GRCh38, 1-based): chr18:22,993,639, G>T. VCF-style: chr18-22993639-G-T. GRCh37 (hg19) VCF-style: chr18-20573602-G-T.
Other names: c.1812G>T, p.Lys604Asn (NM_203291.2, NM_203292.2); short protein forms K604N.
Identifiers: ClinVar variation 3381242 (VCV003381242.2).
Genomic context (GRCh38, chr18:22,993,639, plus strand): 5'-TAAAATTCCTCTACGTCCACGTGAAAGTTTGGAGACTGAGAATGTTTTAGATGACATAAA[G>T]GTTTGTGTTAAATGTTCAAGGATTTTGATTAAAATGATTGCTTGTGATTTCATTTAGAGC-3'
Protein context (NP_002885.1, residues 594-614): LETENVLDDI[Lys604Asn]SAGSHEPIKI

ClinVar aggregate classification (germline): Uncertain significance (1 of 4 stars; one submission).

Conditions:
Jawad syndrome (JWDS). Also called: KELLY SYNDROME; MICROCEPHALY WITH IMPAIRED INTELLECTUAL DEVELOPMENT AND DIGITAL ANOMALIES. Identifiers: Orphanet 313795, MedGen C0796063, MONDO:0009622, OMIM 251255.

Submission:

Servicio de Genética Del Instituto Nacional de Salud Del Niño, Ministerio de Salud
Classification: Uncertain significance for Jawad syndrome. Last evaluated: 2024-11-18. Review status: criteria provided, single submitter. Criteria: ACMG Guidelines, 2015. Collection method: clinical testing. Allele origin: germline. Inheritance: Autosomal recessive inheritance.
Comment: The variant NM_002894.3:c.1812G>T, p.Lys604Asn results in the substitution of lysine, a positively charged amino acid, with asparagine, a neutral amino acid, at position 604 in the protein. This change could potentially impact the protein's function or stability. The variant is absent or rare in population databases (PM2), suggesting that it is not commonly found in the general population and could be pathogenic. Additionally, in silico predictive tools suggest that the variant may affect the protein's function (PP3). Based on these factors, the variant is classified as uncertain significance.